The following is an entry in ClinVar:

ClinVar aggregate classification (germline): Uncertain significance (1 of 4 stars; one submission).

Conditions:
Charcot-Marie-Tooth disease type 2. Also called: Charcot-Marie-Tooth type 2. Identifiers: Orphanet 64746, MedGen C0270914, MONDO:0018993.

Submission:

Labcorp Genetics (formerly Invitae), Labcorp
Classification: Uncertain significance for Charcot-Marie-Tooth disease type 2. Last evaluated: 2020-10-05. Review status: criteria provided, single submitter. Criteria: Invitae Variant Classification Sherloc (09022015). Collection method: clinical testing. Allele origin: germline.
Comment: This variant has not been reported in the literature in individuals with MED25-related conditions. Nucleotide substitutions within the consensus splice site are a relatively common cause of aberrant splicing (PMID: 17576681, 9536098). Algorithms developed to predict the effect of sequence changes on RNA splicing suggest that this variant may disrupt the consensus splice site, but this prediction has not been confirmed by published transcriptional studies. In summary, the available evidence is currently insufficient to determine the role of this variant in disease. Therefore, it has been classified as a Variant of Uncertain Significance. This variant is not present in population databases (ExAC no frequency). This sequence change falls in intron 10 of the MED25 gene. It does not directly change the encoded amino acid sequence of the MED25 protein, but it affects a nucleotide within the consensus splice site of the intron.

Literature cited by the submitters: PubMed 17576681; PubMed 9536098.

NM_030973.4(MED25):c.1230+5G>C

Gene: MED25 (mediator complex subunit 25; plus strand). Cytogenetic location: 19q13.33.
Variant type: single nucleotide variant.
Coding change: c.1230+5G>C on transcript NM_030973.4 (MANE Select); 5 bases into the intron after coding-DNA position 1230, G replaced by C.
Molecular consequence: intron variant.
Genome position (GRCh38, 1-based): chr19:49,831,466, G>C. VCF-style: chr19-49831466-G-C. GRCh37 (hg19) VCF-style: chr19-50334723-G-C.
Other names: c.1230+5G>C (NM_001378355.1).
Identifiers: ClinVar variation 1041715 (VCV001041715.6), dbSNP rs2074057180, ClinGen allele CA2340605721.